The following is an entry in ClinVar:

NM_021023.6(CFHR3):c.796+512AATA[12]

Gene: CFHR3 (complement factor H related 3; plus strand). Cytogenetic location: 1q31.3.
Variant type: Microsatellite.
Coding change: c.796+512AATA[12] on transcript NM_021023.6 (MANE Select); 12 copies in a row of the 4-base unit AATA starting at c.796+512.
Molecular consequence: intron variant.
Genome position: GRCh38 VCF-style: chr1-196790738-T-TAATA. GRCh37 (hg19) VCF-style: chr1-196759868-T-TAATA.
Other names: c.613+512AATA[12] (NM_001166624.2).
Identifiers: ClinVar variation 2639689 (VCV002639689.24), dbSNP rs199831934, ClinGen allele CA528267603.

ClinVar aggregate classification (germline): Likely benign (1 of 4 stars; one submission).

Submission:

CeGaT Center for Human Genetics Tuebingen
Classification: Likely benign. Last evaluated: 2023-10-01. Review status: criteria provided, single submitter. Criteria: CeGaT Center For Human Genetics Tuebingen Variant Classification Criteria Version 2. Collection method: clinical testing. Allele origin: germline. Affected: yes. Observed: 3 variant alleles.
Comment: CFHR3: BS2